The following is an entry in ClinVar:

NM_152564.5(VPS13B):c.1087G>A (p.Glu363Lys)

Gene: VPS13B (vacuolar protein sorting 13 homolog B; plus strand). Cytogenetic location: 8q22.2.
Variant type: single nucleotide variant.
Coding change: c.1087G>A on transcript NM_152564.5 (MANE Select); coding-DNA position 1087, G replaced by A.
Protein change: p.Glu363Lys; replaces glutamic acid 363 with lysine.
Molecular consequence: missense variant. On other transcripts: non-coding transcript variant (1).
Genome position (GRCh38, 1-based): chr8:99,121,326, G>A. VCF-style: chr8-99121326-G-A. GRCh37 (hg19) VCF-style: chr8-100133554-G-A.
Other names: c.1087G>A (NM_017890.3, NM_152564.4); c.1087G>A, p.Glu363Lys (NM_015243.3, NM_017890.5, NM_181661.3); short protein forms E363K.
Identifiers: ClinVar variation 964660 (VCV000964660.14), dbSNP rs116951775, ClinGen allele CA4822544.

ClinVar aggregate classification (germline): Uncertain significance. Review status: criteria provided, multiple submitters, no conflicts (2 of 4 stars). 6 submissions from 6 submitters: Uncertain significance (4). 2 of the submissions do not count toward it. Last evaluated 2024-11-26.

Conditions:
VPS13B-related disorder. Also called: VPS13B-related condition.
Inborn genetic diseases. Identifiers: MedGen C0950123, MeSH D030342.
Cohen syndrome (COH1). Also called: PEPPER SYNDROME; Cutis verticis gyrata, retinitis pigmentosa, and sensorineural deafness. Identifiers: Orphanet 193, MedGen C0265223, MONDO:0008999, OMIM 216550.

Allele frequency attached by ClinVar (database versions not stated): gnomAD 0.00001 and 0.00003; ExAC 0.00002; gnomAD exomes 0.00003 and 0.00004; TOPMed 0.00004; 1000 Genomes Project 30x 0.00031; 1000 Genomes Project 0.00040.
gnomAD v4.1: 56 of 1,614,120 alleles (0.0035%); highest among the groups gnomAD compares: East Asian, 0.04%; no homozygotes.

Submissions (6):

Blueprint Genetics
Classification: Uncertain significance. Last evaluated: 2024-11-26. Review status: criteria provided, single submitter. Criteria: ACMG Guidelines, 2015. Collection method: clinical testing. Allele origin: germline.

Labcorp Genetics (formerly Invitae), Labcorp
Classification: Uncertain significance for Cohen syndrome. Last evaluated: 2022-10-24. Review status: criteria provided, single submitter. Criteria: Invitae Variant Classification Sherloc (09022015). Collection method: clinical testing. Allele origin: germline.
Comment: This sequence change replaces glutamic acid, which is acidic and polar, with lysine, which is basic and polar, at codon 363 of the VPS13B protein (p.Glu363Lys). This variant is present in population databases (rs116951775, gnomAD 0.02%). This variant has not been reported in the literature in individuals affected with VPS13B-related conditions. ClinVar contains an entry for this variant (Variation ID: 964660). Advanced modeling of protein sequence and biophysical properties (such as structural, functional, and spatial information, amino acid conservation, physicochemical variation, residue mobility, and thermodynamic stability) performed at Invitae indicates that this missense variant is not expected to disrupt VPS13B protein function. In summary, the available evidence is currently insufficient to determine the role of this variant in disease. Therefore, it has been classified as a Variant of Uncertain Significance.

Genome-Nilou Lab
Classification: Uncertain significance for Cohen syndrome. Last evaluated: 2021-07-22. Review status: criteria provided, single submitter. Criteria: ACMG Guidelines, 2015. Collection method: clinical testing. Allele origin: germline. Affected: no.

Ambry Genetics
Classification: Uncertain significance for Inborn genetic diseases. Last evaluated: 2018-12-03. Review status: criteria provided, single submitter. Criteria: Ambry Variant Classification Scheme 2023. Collection method: clinical testing. Allele origin: germline.
Comment: The p.E363K variant (also known as c.1087G>A), located in coding exon 7 of the VPS13B gene, results from a G to A substitution at nucleotide position 1087. The glutamic acid at codon 363 is replaced by lysine, an amino acid with similar properties. This amino acid position is not well conserved in available vertebrate species. In addition, the in silico prediction for this alteration is inconclusive. Since supporting evidence is limited at this time, the clinical significance of this alteration remains unclear.

PreventionGenetics, part of Exact Sciences
Classification: Uncertain significance for VPS13B-related condition. Last evaluated: 2024-08-06. Review status: no assertion criteria provided. Collection method: clinical testing. Allele origin: germline. Not counted in ClinVar's aggregate classification.
Comment: The VPS13B c.1087G>A variant is predicted to result in the amino acid substitution p.Glu363Lys. This variant was reported in the compound heterozygous state in an individual with short stature, global developmental delay, and attention-deficit/hyperactivity disorder; however, this individual was not considered to be affected by Cohen syndrome (Patient #42 in Table 3 and Table S2, Gippert et al. 2023. PubMed ID: 37940764). This variant is reported in 0.020% of alleles in individuals of East Asian descent in gnomAD. At this time, the clinical significance of this variant is uncertain due to the absence of conclusive functional and genetic evidence.

Natera, Inc.
Classification: Uncertain significance for Cohen syndrome. Last evaluated: 2020-11-19. Review status: no assertion criteria provided. Collection method: clinical testing. Allele origin: germline. Not counted in ClinVar's aggregate classification.